The following is an entry in ClinVar:

ClinVar aggregate classification (germline): Uncertain significance. Review status: criteria provided, single submitter (1 of 4 stars). 2 submissions from 2 submitters: Uncertain significance (1). 1 of the submissions does not count toward it. Last evaluated 2026-01-13.

Conditions:
Hereditary breast ovarian cancer syndrome. Also called: Hereditary breast and/or ovarian cancer syndrome; Breast and ovarian cancer; Hereditary breast and ovarian cancer syndrome; Hereditary breast and ovarian cancer; Hereditary breast and ovarian cancer syndrome (HBOC); BRCA1- and BRCA2-Associated Hereditary Breast and Ovarian Cancer. Identifiers: Orphanet 145, MedGen C0677776, MeSH D061325, MONDO:0003582. Disease mechanism: loss of function.
Breast-ovarian cancer, familial, susceptibility to, 1 (BROVCA1). Also called: BRCA1 Hereditary Breast and Ovarian Cancer; OVARIAN CANCER, SUSCEPTIBILITY TO. Identifiers: Orphanet 145, MedGen C2676676, MONDO:0011450, OMIM 604370. Disease mechanism: loss of function.

Submissions (3):

Labcorp Genetics (formerly Invitae), Labcorp
Classification: Uncertain significance for Hereditary breast ovarian cancer syndrome. Last evaluated: 2026-01-13. Review status: criteria provided, single submitter. Criteria: Invitae Variant Classification Sherloc (09022015). Collection method: clinical testing. Allele origin: germline.
Comment: This sequence change replaces phenylalanine, which is neutral and non-polar, with leucine, which is neutral and non-polar, at codon 1734 of the BRCA1 protein (p.Phe1734Leu). This variant is not present in population databases (gnomAD no frequency). This variant has not been reported in the literature in individuals affected with BRCA1-related conditions. ClinVar contains an entry for this variant (Variation ID: 125806). Invitae Evidence Modeling incorporating data from in vitro experimental studies (PMID: 30209399) indicates that this missense variant is expected to disrupt BRCA1 function with a positive predictive value of 95%. Experimental studies have shown that this missense change affects BRCA1 function (PMID: 12496477, 30209399, 35196514). In summary, the available evidence is currently insufficient to determine the role of this variant in disease. Therefore, it has been classified as a Variant of Uncertain Significance.

Breast Cancer Information Core (BIC) (BRCA1)
Classification: Uncertain significance for Breast-ovarian cancer, familial 1. Last evaluated: 2002-05-29. Review status: no assertion criteria provided. Collection method: clinical testing. Allele origin: germline. Affected: yes. Observed: 1 variant allele. Not counted in ClinVar's aggregate classification.

Brotman Baty Institute, University of Washington
No classification provided (evidence only). Condition: Breast-ovarian cancer, familial 1. Review status: no classification provided. Collection method: in vitro. Allele origin: not applicable. Functional consequence: functionally_abnormal. Not counted in ClinVar's aggregate classification.
ClinVar note: "not provided" was previously submitted as the classification for the variant. However, the classification appeared to be based only on an observation of functional data so it was converted to no classification on 2025-07-30.

Literature cited by the submitters: PubMed 30209399 (cited by Labcorp Genetics (formerly Invitae), Labcorp); PubMed 12496477 (cited by Labcorp Genetics (formerly Invitae), Labcorp); PubMed 35196514 (cited by Labcorp Genetics (formerly Invitae), Labcorp).

NM_007294.4(BRCA1):c.5200T>C (p.Phe1734Leu)

Gene: BRCA1 (BRCA1 DNA repair associated; minus strand). Cytogenetic location: 17q21.31.
Variant type: single nucleotide variant.
Coding change: c.5200T>C on transcript NM_007294.4 (MANE Select); coding-DNA position 5200, T replaced by C.
Protein change: p.Phe1734Leu; replaces phenylalanine 1734 with leucine.
Molecular consequence: missense variant. On other transcripts: non-coding transcript variant (1).
Genome position (GRCh38, 1-based): chr17:43,057,129, A>G on the plus strand (T>C on the coding strand, the complement: BRCA1 is on the minus strand). VCF-style: chr17-43057129-A-G. GRCh37 (hg19) VCF-style: chr17-41209146-A-G.
Other names: F1734S; c.4987T>C, p.Phe1663Leu (NM_001407571.1, NM_001407900.1, NM_001407902.1 and 12 more transcripts); c.5266T>C, p.Phe1756Leu (NM_001407581.1, NM_001407582.1); c.5263T>C, p.Phe1755Leu (NM_001407583.1, NM_001407585.1, NM_001407587.1 and 1 more transcripts); c.5260T>C, p.Phe1754Leu (NM_001407590.1, NM_001407591.1); c.5200T>C, p.Phe1734Leu (NM_001407593.1, NM_001407594.1, NM_001407596.1 and 7 more transcripts); c.5197T>C, p.Phe1733Leu (NM_001407610.1, NM_001407611.1, NM_001407612.1 and 17 more transcripts); c.5194T>C, p.Phe1732Leu (NM_001407629.1, NM_001407630.1, NM_001407631.1 and 14 more transcripts); and 73 more; short protein forms F1734L, F630L, F1687L, F1755L, F631L, F1437L, F1580L, F1605L.
Identifiers: ClinVar variation 125806 (VCV000125806.6), dbSNP rs80356957, ClinGen allele CA003350.